The following is an entry in ClinVar:

NM_144991.3(TSPEAR):c.611G>T (p.Arg204Met)

Gene: TSPEAR (thrombospondin type laminin G domain and EAR repeats; minus strand). Cytogenetic location: 21q22.3.
Variant type: single nucleotide variant.
Coding change: c.611G>T on transcript NM_144991.3 (MANE Select); coding-DNA position 611, G replaced by T.
Protein change: p.Arg204Met; replaces arginine 204 with methionine.
Molecular consequence: missense variant.
Genome position (GRCh38, 1-based): chr21:44,531,065, C>A on the plus strand (G>T on the coding strand, the complement: TSPEAR is on the minus strand). VCF-style: chr21-44531065-C-A. GRCh37 (hg19) VCF-style: chr21-45950948-C-A.
Other names: c.407G>T, p.Arg136Met (NM_001272037.2); short protein forms R136M, R204M.
Identifiers: ClinVar variation 1331338 (VCV001331338.4), dbSNP rs375300473, ClinGen allele CA10056932.

ClinVar aggregate classification (germline): Uncertain significance. Review status: criteria provided, multiple submitters, no conflicts (2 of 4 stars). 2 submissions from 2 submitters: Uncertain significance (2). Last evaluated 2025-05-02.

Conditions:
Inborn genetic diseases. Identifiers: MedGen C0950123, MeSH D030342.

Allele frequency attached by ClinVar (database versions not stated): ExAC 0.00003; gnomAD exomes 0.00004; gnomAD 0.00011 and 0.00012; TOPMed 0.00020; ESP Exome Variant Server 0.00023.
gnomAD v4.1: 35 of 1,613,668 alleles (0.0022%); highest among the groups gnomAD compares: African/African-American, 0.04%; no homozygotes.

Submissions (2):

GeneDx
Classification: Uncertain significance. Last evaluated: 2025-05-02. Review status: criteria provided, single submitter. Criteria: GeneDx Variant Classification Process June 2021. Collection method: clinical testing. Allele origin: germline. Affected: yes.
Comment: In silico analysis supports that this missense variant has a deleterious effect on protein structure/function; Has not been previously published as pathogenic or benign to our knowledge

Ambry Genetics
Classification: Uncertain significance for Inborn genetic diseases. Last evaluated: 2024-04-12. Review status: criteria provided, single submitter. Criteria: Ambry Variant Classification Scheme 2023. Collection method: clinical testing. Allele origin: germline.